The following is an entry in ClinVar:

NM_001035.3(RYR2):c.2273G>A (p.Cys758Tyr)

Gene: RYR2 (ryanodine receptor 2; plus strand). Cytogenetic location: 1q43.
Variant type: single nucleotide variant.
Coding change: c.2273G>A on transcript NM_001035.3 (MANE Select); coding-DNA position 2273, G replaced by A.
Protein change: p.Cys758Tyr; replaces cysteine 758 with tyrosine.
Molecular consequence: missense variant.
Genome position (GRCh38, 1-based): chr1:237,500,780, G>A. VCF-style: chr1-237500780-G-A. GRCh37 (hg19) VCF-style: chr1-237664080-G-A.
Other names: short protein forms C758Y.
Identifiers: ClinVar variation 4758917 (VCV004758917.1).

ClinVar aggregate classification (germline): Uncertain significance (1 of 4 stars; one submission).

Conditions:
Cardiomyopathy (CMYO). Also called: Cardiomyopathies. Identifiers: Orphanet 167848, MedGen C0878544, MONDO:0004994, HP:0001638. Inheritance: Various modes of inheritance.

Submission:

Color Diagnostics, LLC DBA Color Health
Classification: Uncertain significance for Cardiomyopathy. Last evaluated: 2025-07-14. Review status: criteria provided, single submitter. Criteria: ACMG Guidelines, 2015. Collection method: clinical testing. Allele origin: germline.
Comment: This missense variant replaces cysteine with tyrosine at codon 758 of the RYR2 protein. Computational prediction suggests that this variant may have deleterious impact on protein structure and function. To our knowledge, functional studies have not been reported for this variant. This variant has not been reported in individuals affected with RYR2-related disorders in the literature. This variant has not been identified in the general population by the Genome Aggregation Database (gnomAD). The available evidence is insufficient to determine the role of this variant in disease conclusively. Therefore, this variant is classified as a Variant of Uncertain Significance.